The following is an entry in ClinVar:

ClinVar aggregate classification (germline): Uncertain significance (1 of 4 stars; one submission).

Conditions:
Inborn genetic diseases. Identifiers: MedGen C0950123, MeSH D030342.

Allele frequency attached by ClinVar (database versions not stated): TOPMed below 0.00001.
gnomAD v4.1: 1 of 1,602,802 alleles (0.000062%); highest among the groups gnomAD compares: Non-Finnish European, 0.000085%; no homozygotes.

Submission:

Ambry Genetics
Classification: Uncertain significance for Inborn genetic diseases. Last evaluated: 2023-08-13. Review status: criteria provided, single submitter. Criteria: Ambry Variant Classification Scheme 2023. Collection method: clinical testing. Allele origin: germline.
Comment: The p.S2491F variant (also known as c.7472C>T), located in coding exon 51 of the LRRK2 gene, results from a C to T substitution at nucleotide position 7472. The serine at codon 2491 is replaced by phenylalanine, an amino acid with highly dissimilar properties. This amino acid position is conserved. In addition, the in silico prediction for this alteration is inconclusive. Since supporting evidence is limited at this time, the clinical significance of this alteration remains unclear.

NM_198578.4(LRRK2):c.7472C>T (p.Ser2491Phe)

Gene: LRRK2 (leucine rich repeat kinase 2; plus strand). Cytogenetic location: 12q12.
Variant type: single nucleotide variant.
Coding change: c.7472C>T on transcript NM_198578.4 (MANE Select); coding-DNA position 7472, C replaced by T.
Protein change: p.Ser2491Phe; replaces serine 2491 with phenylalanine.
Molecular consequence: missense variant.
Genome position (GRCh38, 1-based): chr12:40,367,653, C>T. VCF-style: chr12-40367653-C-T. GRCh37 (hg19) VCF-style: chr12-40761455-C-T.
Other names: short protein forms S2491F.
Identifiers: ClinVar variation 2624891 (VCV002624891.2), dbSNP rs1174941577, ClinGen allele CA384416022.